The following is an entry in ClinVar:

ClinVar aggregate classification (germline): Uncertain significance. Review status: criteria provided, multiple submitters, no conflicts (2 of 4 stars). 2 submissions from 2 submitters: Uncertain significance (2). Last evaluated 2023-03-14.

Allele frequency attached by ClinVar (database versions not stated): gnomAD exomes 0.00005; gnomAD 0.00006 and 0.00007; TOPMed 0.00006; ExAC 0.00007; ESP Exome Variant Server 0.00015; 1000 Genomes Project 0.00020; 1000 Genomes Project 30x 0.00031.
gnomAD v4.1: 121 of 1,611,898 alleles (0.0075%); highest among the groups gnomAD compares: Non-Finnish European, 0.0092%; no homozygotes.

Submissions (2):

Labcorp Genetics (formerly Invitae), Labcorp
Classification: Uncertain significance. Last evaluated: 2023-03-14. Review status: criteria provided, single submitter. Criteria: Invitae Variant Classification Sherloc (09022015). Collection method: clinical testing. Allele origin: germline.
Comment: In summary, the available evidence is currently insufficient to determine the role of this variant in disease. Therefore, it has been classified as a Variant of Uncertain Significance. Variants that disrupt the consensus splice site are a relatively common cause of aberrant splicing (PMID: 17576681, 9536098). Algorithms developed to predict the effect of sequence changes on RNA splicing suggest that this variant may disrupt the consensus splice site. Experimental studies and prediction algorithms are not available or were not evaluated, and the functional significance of this variant is currently unknown. ClinVar contains an entry for this variant (Variation ID: 962115). This variant has not been reported in the literature in individuals affected with ARMC9-related conditions. This variant is present in population databases (rs201888838, gnomAD 0.01%). This sequence change replaces glutamic acid, which is acidic and polar, with lysine, which is basic and polar, at codon 573 of the ARMC9 protein (p.Glu573Lys). This variant also falls at the last nucleotide of exon 17, which is part of the consensus splice site for this exon.

GeneDx
Classification: Uncertain significance. Last evaluated: 2022-11-25. Review status: criteria provided, single submitter. Criteria: GeneDx Variant Classification Process June 2021. Collection method: clinical testing. Allele origin: germline. Affected: yes.
Comment: In silico analysis supports a deleterious effect on splicing; In silico analysis supports that this missense variant does not alter protein structure/function; Has not been previously published as pathogenic or benign to our knowledge

Literature cited by the submitters: PubMed 17576681 (cited by Labcorp Genetics (formerly Invitae), Labcorp); PubMed 9536098 (cited by Labcorp Genetics (formerly Invitae), Labcorp).

NM_001352754.2(ARMC9):c.1717G>A (p.Glu573Lys)

Gene: ARMC9 (armadillo repeat containing 9; plus strand). Cytogenetic location: 2q37.1.
Variant type: single nucleotide variant.
Coding change: c.1717G>A on transcript NM_001352754.2 (MANE Select); coding-DNA position 1717, G replaced by A.
Protein change: p.Glu573Lys; replaces glutamic acid 573 with lysine.
Molecular consequence: missense variant. On other transcripts: non-coding transcript variant (1).
Genome position (GRCh38, 1-based): chr2:231,291,443, G>A. VCF-style: chr2-231291443-G-A. GRCh37 (hg19) VCF-style: chr2-232156156-G-A.
Other names: c.1717G>A, p.Glu573Lys (NM_001271466.4, NM_001291656.2, NM_001352755.2 and 3 more transcripts); c.1618G>A, p.Glu540Lys (NM_001352757.2, NM_001352758.2); c.1717G>A (NM_025139.5); short protein forms E573K, E540K.
Identifiers: ClinVar variation 962115 (VCV000962115.6), dbSNP rs201888838, ClinGen allele CA2160440.